The following is an entry in ClinVar:

NM_000553.6(WRN):c.1720G>A (p.Gly574Arg)

Gene: WRN (WRN RecQ like helicase; plus strand). Cytogenetic location: 8p12.
Variant type: single nucleotide variant.
Coding change: c.1720G>A on transcript NM_000553.6 (MANE Select); coding-DNA position 1720, G replaced by A.
Protein change: p.Gly574Arg; replaces glycine 574 with arginine.
Molecular consequence: missense variant.
Genome position (GRCh38, 1-based): chr8:31,090,532, G>A. VCF-style: chr8-31090532-G-A. GRCh37 (hg19) VCF-style: chr8-30948048-G-A.
Other names: short protein forms G574R.
Identifiers: ClinVar variation 2042598 (VCV002042598.5), dbSNP rs1304645785, ClinGen allele CA370927173.

ClinVar aggregate classification (germline): Pathogenic/Likely pathogenic. Review status: criteria provided, multiple submitters, no conflicts (2 of 4 stars). 2 submissions from 2 submitters: Pathogenic (1); Likely pathogenic (1). Last evaluated 2026-05-12.

Conditions:
Werner syndrome (WRN). Identifiers: Orphanet 902, MedGen C0043119, MONDO:0010196, OMIM 277700.

Allele frequency attached by ClinVar (database versions not stated): TOPMed below 0.00001.

Submissions (2):

Women's Health and Genetics/Laboratory Corporation of America, LabCorp
Classification: Likely pathogenic for Werner syndrome. Last evaluated: 2026-05-12. Review status: criteria provided, single submitter. Criteria: LabCorp Variant Classification Summary - May 2015. Collection method: clinical testing. Allele origin: germline.
Comment: Variant summary: WRN c.1720G>A (p.Gly574Arg) results in a non-conservative amino acid change in the encoded protein sequence. Algorithms developed to predict the effect of missense changes on protein structure and function all suggest that this variant is likely to be disruptive. Several computational tools predict a significant impact on normal splicing: Three predict that the variant weakens a 5' donor site. Experimental studies show that this variant affects mRNA splicing (internal data). The variant was absent in 250650 control chromosomes. c.1720G>A has been observed in compound heterozygous individuals affected with Werner Syndrome (Friedrich_2010, Maezawa_2018). These data indicate that the variant may be associated with disease. At least one publication reports experimental evidence evaluating an impact on protein function (Tadokoro_2013). The most pronounced variant effect results in 10%-<30% of normal activity. The following publications have been ascertained in the context of this evaluation (PMID: 20443122, 30140198, 23583337). ClinVar contains an entry for this variant (Variation ID: 2042598). Based on the evidence outlined above, the variant was classified as likely pathogenic.

Labcorp Genetics (formerly Invitae), Labcorp
Classification: Pathogenic for Werner syndrome. Last evaluated: 2023-10-26. Review status: criteria provided, single submitter. Criteria: Invitae Variant Classification Sherloc (09022015). Collection method: clinical testing. Allele origin: germline.
Comment: This sequence change replaces glycine, which is neutral and non-polar, with arginine, which is basic and polar, at codon 574 of the WRN protein (p.Gly574Arg). RNA analysis indicates that this missense change induces altered splicing and may result in an absent or disrupted protein product. This variant is not present in population databases (gnomAD no frequency). This missense change has been observed in individual(s) with clinical features of Werner syndrome (PMID: 20443122, 30140198). ClinVar contains an entry for this variant (Variation ID: 2042598). An algorithm developed to predict the effect of missense changes on protein structure and function (PolyPhen-2) suggests that this variant is likely to be disruptive. Experimental studies have shown that this missense change affects WRN function (PMID: 23583337). Variants that disrupt the consensus splice site are a relatively common cause of aberrant splicing (PMID: 17576681, 9536098). Studies have shown that this missense change results in skipping of exon 14 and introduces a premature termination codon (Invitae). The resulting mRNA is expected to undergo nonsense-mediated decay. For these reasons, this variant has been classified as Pathogenic.

Literature cited by the submitters: PubMed 20443122 (cited by Women's Health and Genetics/Laboratory Corporation of America, LabCorp and Labcorp Genetics (formerly Invitae), Labcorp); PubMed 30140198 (cited by Women's Health and Genetics/Laboratory Corporation of America, LabCorp and Labcorp Genetics (formerly Invitae), Labcorp); PubMed 23583337 (cited by Women's Health and Genetics/Laboratory Corporation of America, LabCorp and Labcorp Genetics (formerly Invitae), Labcorp); PubMed 17576681 (cited by Labcorp Genetics (formerly Invitae), Labcorp); PubMed 9536098 (cited by Labcorp Genetics (formerly Invitae), Labcorp).